The following is an entry in ClinVar:

NM_001003694.2(BRPF1):c.590C>T (p.Ser197Phe)

Gene: BRPF1 (bromodomain and PHD finger containing 1; plus strand). Cytogenetic location: 3p25.3.
Variant type: single nucleotide variant.
Coding change: c.590C>T on transcript NM_001003694.2 (MANE Select); coding-DNA position 590, C replaced by T.
Protein change: p.Ser197Phe; replaces serine 197 with phenylalanine.
Molecular consequence: missense variant. On other transcripts: non-coding transcript variant (1).
Genome position (GRCh38, 1-based): chr3:9,734,730, C>T. VCF-style: chr3-9734730-C-T. GRCh37 (hg19) VCF-style: chr3-9776414-C-T.
Other names: c.590C>T, p.Ser197Phe (NM_001319049.2, NM_001319050.2, NM_001410704.1 and 1 more transcripts); short protein forms S197F.
Identifiers: ClinVar variation 3362085 (VCV003362085.2).

ClinVar aggregate classification (germline): Uncertain significance (1 of 4 stars; one submission).

Submission:

GeneDx
Classification: Uncertain significance. Last evaluated: 2026-01-12. Review status: criteria provided, single submitter. Criteria: GeneDx Variant Classification Process June 2021. Collection method: clinical testing. Allele origin: germline.
Comment: Not observed at significant frequency in large population cohorts (gnomAD); In silico analysis supports that this missense variant has a deleterious effect on protein structure/function; Has not been previously published as pathogenic or benign to our knowledge